The following is an entry in ClinVar:

ClinVar aggregate classification (germline): Uncertain significance (1 of 4 stars; one submission).

Conditions:
Neurofibromatosis, type 1 (NF1). Also called: Peripheral type neurofibromatosis; NEUROFIBROMATOSIS, TYPE I, SOMATIC; VON RECKLINGHAUSEN DISEASE; Neurofibromatosis, type I. Identifiers: Orphanet 636, MedGen C0027831, MONDO:0018975, OMIM 162200. Disease mechanism: loss of function.

Allele frequency attached by ClinVar (database versions not stated): gnomAD exomes below 0.00001.
gnomAD v4.1: 2 of 1,613,716 alleles (0.00012%); highest among the groups gnomAD compares: Non-Finnish European, 0.00017%; no homozygotes.

Submission:

Labcorp Genetics (formerly Invitae), Labcorp
Classification: Uncertain significance for Neurofibromatosis, type 1. Last evaluated: 2023-07-21. Review status: criteria provided, single submitter. Criteria: Invitae Variant Classification Sherloc (09022015). Collection method: clinical testing. Allele origin: germline.
Comment: This sequence change replaces threonine, which is neutral and polar, with proline, which is neutral and non-polar, at codon 2443 of the NF1 protein (p.Thr2443Pro). This variant is not present in population databases (gnomAD no frequency). This variant has not been reported in the literature in individuals affected with NF1-related conditions. Advanced modeling of protein sequence and biophysical properties (such as structural, functional, and spatial information, amino acid conservation, physicochemical variation, residue mobility, and thermodynamic stability) performed at Invitae indicates that this missense variant is not expected to disrupt NF1 protein function. In summary, the available evidence is currently insufficient to determine the role of this variant in disease. Therefore, it has been classified as a Variant of Uncertain Significance.

NM_001042492.3(NF1):c.7390A>C (p.Thr2464Pro)

Gene: NF1 (neurofibromin 1; plus strand). Cytogenetic location: 17q11.2.
Variant type: single nucleotide variant.
Coding change: c.7390A>C on transcript NM_001042492.3 (MANE Select); coding-DNA position 7390, A replaced by C.
Protein change: p.Thr2464Pro; replaces threonine 2464 with proline.
Molecular consequence: missense variant.
Genome position (GRCh38, 1-based): chr17:31,350,251, A>C. VCF-style: chr17-31350251-A-C. GRCh37 (hg19) VCF-style: chr17-29677269-A-C.
Other names: c.7327A>C, p.Thr2443Pro (NM_000267.4); short protein forms T2464P, T2443P.
Identifiers: ClinVar variation 2745678 (VCV002745678.3), dbSNP rs2151574450, ClinGen allele CA399017085.